The following is an entry in ClinVar:

NM_006767.4(LZTR1):c.202C>A (p.Arg68Ser)

Gene: LZTR1 (leucine zipper like post translational regulator 1; plus strand). Cytogenetic location: 22q11.21.
Variant type: single nucleotide variant.
Coding change: c.202C>A on transcript NM_006767.4 (MANE Select); coding-DNA position 202, C replaced by A.
Protein change: p.Arg68Ser; replaces arginine 68 with serine.
Molecular consequence: missense variant.
Genome position (GRCh38, 1-based): chr22:20,983,028, C>A. VCF-style: chr22-20983028-C-A. GRCh37 (hg19) VCF-style: chr22-21337317-C-A.
Other names: short protein forms R68S.
Identifiers: ClinVar variation 280158 (VCV000280158.16), dbSNP rs886041418, ClinGen allele CA10603386.

ClinVar aggregate classification (germline): Uncertain significance. Review status: criteria provided, multiple submitters, no conflicts (2 of 4 stars). 4 submissions from 4 submitters: Uncertain significance (4). Last evaluated 2024-10-28.

Conditions:
Cardiovascular phenotype. Identifiers: MedGen CN230736.
Hereditary cancer-predisposing syndrome. Also called: Hereditary Cancer Syndrome; Tumor predisposition; Neoplastic Syndromes, Hereditary; Hereditary neoplastic syndrome. Identifiers: Orphanet 140162, MedGen C0027672, MeSH D009386, MONDO:0015356.
LZTR1-related disorder. Also called: LZTR1-related disorders; LZTR1-related condition.
LZTR1-related schwannomatosis. Also called: Schwannomatosis 2; Schwannomatosis-2, susceptibility to. Identifiers: Orphanet 93921, MedGen C3810283, MONDO:0014299, OMIM 615670.

gnomAD v4.1: 6 of 1,613,896 alleles (0.00037%); highest among the groups gnomAD compares: South Asian, 0.0011%; no homozygotes.

Submissions (4):

Labcorp Genetics (formerly Invitae), Labcorp
Classification: Uncertain significance. Last evaluated: 2024-10-28. Review status: criteria provided, single submitter. Criteria: Invitae Variant Classification Sherloc (09022015). Collection method: clinical testing. Allele origin: germline.
Comment: This sequence change replaces arginine, which is basic and polar, with serine, which is neutral and polar, at codon 68 of the LZTR1 protein (p.Arg68Ser). This variant is not present in population databases (gnomAD no frequency). This missense change has been observed in individual(s) with clinical features of Noonan syndrome (internal data). ClinVar contains an entry for this variant (Variation ID: 280158). An algorithm developed to predict the effect of missense changes on protein structure and function (PolyPhen-2) suggests that this variant is likely to be disruptive. In summary, the available evidence is currently insufficient to determine the role of this variant in disease. Therefore, it has been classified as a Variant of Uncertain Significance.

Ambry Genetics
Classification: Uncertain significance for Cardiovascular phenotype; Hereditary cancer-predisposing syndrome. Last evaluated: 2024-10-27. Review status: criteria provided, single submitter. Criteria: Ambry Variant Classification Scheme 2023. Collection method: clinical testing. Allele origin: germline.
Comment: The p.R68S variant (also known as c.202C>A), located in coding exon 2 of the LZTR1 gene, results from a C to A substitution at nucleotide position 202. The arginine at codon 68 is replaced by serine, an amino acid with dissimilar properties. This amino acid position is conserved. In addition, this alteration is predicted to be deleterious by in silico analysis. Based on the available evidence, the clinical significance of this variant remains unclear.

Baylor Genetics
Classification: Uncertain significance for LZTR1-related schwannomatosis. Last evaluated: 2023-08-23. Review status: criteria provided, single submitter. Criteria: ACMG Guidelines, 2015. Collection method: clinical testing. Allele origin: unknown.

GeneDx
Classification: Uncertain significance. Last evaluated: 2020-06-30. Review status: criteria provided, single submitter. Criteria: GeneDx Variant Classification Process June 2021. Collection method: clinical testing. Allele origin: germline. Affected: yes.
Comment: In silico analysis supports that this missense variant has a deleterious effect on protein structure/function; Has not been previously published as pathogenic or benign to our knowledge